The following is an entry in ClinVar:

ClinVar aggregate classification (germline): Likely pathogenic (1 of 4 stars; one submission).

Conditions:
Severe X-linked myotubular myopathy (CNMX). Also called: Myotubular myopathy, X-linked; MYOTUBULAR MYOPATHY 1; X-linked centronuclear myopathy. Identifiers: Orphanet 596, MedGen C0410203, MONDO:0010683, OMIM 310400.

Submission:

Laboratory of Medical Genetics, National & Kapodistrian University of Athens
Classification: Likely pathogenic for Severe X-linked myotubular myopathy. Last evaluated: 2023-07-03. Review status: criteria provided, single submitter. Criteria: ACMG Guidelines, 2015. Collection method: clinical testing. Allele origin: germline. Affected: yes.
Comment: PM2, PP3, PP4

NM_000252.3(MTM1):c.1372T>G (p.Phe458Val)

Gene: MTM1 (myotubularin 1; plus strand). Cytogenetic location: Xq28.
Variant type: single nucleotide variant.
Coding change: c.1372T>G on transcript NM_000252.3 (MANE Select); coding-DNA position 1372, T replaced by G.
Protein change: p.Phe458Val; replaces phenylalanine 458 with valine.
Molecular consequence: missense variant.
Genome position (GRCh38, 1-based): chrX:150,660,389, T>G. VCF-style: chrX-150660389-T-G. GRCh37 (hg19) VCF-style: chrX-149828862-T-G.
Other names: c.1372T>G, p.Phe458Val (NM_001376906.1, NM_001376908.1); c.1261T>G, p.Phe421Val (NM_001376907.1); short protein forms F421V, F458V.
Identifiers: ClinVar variation 2572615 (VCV002572615.1), dbSNP rs2522446971, ClinGen allele CA415259617.
Genomic context (GRCh38, chrX:150,660,389, plus strand): 5'-CAGTCCCAGTTTTTCATGCTTTGTTTGCTTGTTTTTGTTTAGTTCCCTACAGCTTTTGAA[T>G]TCAATGAACAATTTTTGATTATAATTTTGGATCATCTGTATAGTTGCCGATTTGGTACTT-3'
Protein context (NP_000243.1, residues 448-468): MSKQFPTAFE[Phe458Val]NEQFLIIILD